The following is an entry in ClinVar:

ClinVar aggregate classification (germline): Uncertain significance. Review status: criteria provided, multiple submitters, no conflicts (2 of 4 stars). 5 submissions from 5 submitters: Uncertain significance (4). 1 of the submissions does not count toward it. Last evaluated 2026-01-07.

Conditions:
Familial cancer of breast. Also called: hereditary breast carcinoma; BREAST CANCER, FAMILIAL; Hereditary breast cancer. Identifiers: Orphanet 227535, MedGen C0346153, MONDO:0016419, OMIM 114480. Disease mechanism: loss of function.
Hereditary cancer-predisposing syndrome. Also called: Neoplastic Syndromes, Hereditary; Hereditary Cancer Syndrome; Hereditary neoplastic syndrome; Tumor predisposition. Identifiers: Orphanet 140162, MedGen C0027672, MeSH D009386, MONDO:0015356.
Ataxia-telangiectasia syndrome (AT). Also called: ATAXIA-TELANGIECTASIA, COMPLEMENTATION GROUP A; ATAXIA-TELANGIECTASIA, FRESNO VARIANT; Ataxia-telangiectasia, complementation group E; Ataxia telangiectasia (A-T); LOUIS-BAR SYNDROME; Cerebello-oculocutaneous telangiectasia. Identifiers: Orphanet 100, MedGen C0004135, MONDO:0008840, OMIM 208900.

Submissions (5):

Labcorp Genetics (formerly Invitae), Labcorp
Classification: Uncertain significance for Ataxia-telangiectasia syndrome. Last evaluated: 2026-01-07. Review status: criteria provided, single submitter. Criteria: Invitae Variant Classification Sherloc (09022015). Collection method: clinical testing. Allele origin: germline.
Comment: This sequence change replaces serine, which is neutral and polar, with threonine, which is neutral and polar, at codon 1684 of the ATM protein (p.Ser1684Thr). This variant is not present in population databases (gnomAD no frequency). This variant has not been reported in the literature in individuals affected with ATM-related conditions. ClinVar contains an entry for this variant (Variation ID: 825404). Invitae Evidence Modeling of protein sequence and biophysical properties (such as structural, functional, and spatial information, amino acid conservation, physicochemical variation, residue mobility, and thermodynamic stability) indicates that this missense variant is not expected to disrupt ATM protein function with a negative predictive value of 95%. In summary, the available evidence is currently insufficient to determine the role of this variant in disease. Therefore, it has been classified as a Variant of Uncertain Significance.

Ambry Genetics
Classification: Uncertain significance for Hereditary cancer-predisposing syndrome. Last evaluated: 2024-11-06. Review status: criteria provided, single submitter. Criteria: Ambry Variant Classification Scheme 2023. Collection method: clinical testing. Allele origin: germline.
Comment: The p.S1684T variant (also known as c.5050T>A), located in coding exon 33 of the ATM gene, results from a T to A substitution at nucleotide position 5050. The serine at codon 1684 is replaced by threonine, an amino acid with similar properties. This amino acid position is highly conserved in available vertebrate species. In addition, the in silico prediction for this alteration is inconclusive. Based on the available evidence, the clinical significance of this variant remains unclear.

Color Diagnostics, LLC DBA Color Health
Classification: Uncertain significance for Hereditary cancer-predisposing syndrome. Last evaluated: 2024-04-07. Review status: criteria provided, single submitter. Criteria: ACMG Guidelines, 2015. Collection method: clinical testing. Allele origin: germline.
Comment: This missense variant replaces serine with threonine at codon 1684 of the ATM protein. Computational prediction suggests that this variant may not impact protein structure and function (internally defined REVEL score threshold <= 0.5, PMID: 27666373). To our knowledge, functional studies have not been reported for this variant. This variant has not been reported in individuals affected with ATM-related disorders in the literature. This variant has not been identified in the general population by the Genome Aggregation Database (gnomAD). The available evidence is insufficient to determine the role of this variant in disease conclusively. Therefore, this variant is classified as a Variant of Uncertain Significance.

Baylor Genetics
Classification: Uncertain significance for Familial cancer of breast. Last evaluated: 2023-12-01. Review status: criteria provided, single submitter. Criteria: ACMG Guidelines, 2015. Collection method: clinical testing. Allele origin: unknown.

Natera, Inc.
Classification: Uncertain significance for Ataxia-telangiectasia. Last evaluated: 2025-04-18. Review status: no assertion criteria provided. Collection method: clinical testing. Allele origin: germline. Not counted in ClinVar's aggregate classification.

NM_000051.4(ATM):c.5050T>A (p.Ser1684Thr)

Gene: ATM (ATM serine/threonine kinase; plus strand). Cytogenetic location: 11q22.3.
Variant type: single nucleotide variant.
Coding change: c.5050T>A on transcript NM_000051.4 (MANE Select); coding-DNA position 5050, T replaced by A.
Protein change: p.Ser1684Thr; replaces serine 1684 with threonine.
Molecular consequence: missense variant.
Genome position (GRCh38, 1-based): chr11:108,299,758, T>A. VCF-style: chr11-108299758-T-A. GRCh37 (hg19) VCF-style: chr11-108170485-T-A.
Other names: c.5050T>A, p.Ser1684Thr (NM_001351834.2); short protein forms S1684T.
Identifiers: ClinVar variation 825404 (VCV000825404.13), dbSNP rs1591702098, ClinGen allele CA382540454.